The following is an entry in ClinVar:

ClinVar aggregate classification (germline): Uncertain significance (1 of 4 stars; one submission).

Allele frequency attached by ClinVar (database versions not stated): gnomAD exomes below 0.00001 and 0.00001; TOPMed below 0.00001; gnomAD 0.00001.

Submission:

GeneDx
Classification: Uncertain significance. Last evaluated: 2019-04-22. Review status: criteria provided, single submitter. Criteria: GeneDx Variant Classification Process June 2021. Collection method: clinical testing. Allele origin: germline. Affected: yes.
Comment: Has not been previously published as pathogenic or benign to our knowledge; Not observed at a significant frequency in large population cohorts (Lek et al., 2016); In silico analysis, which includes splice predictors and evolutionary conservation, suggests this duplication occurring at the exon 13/intron 13 border may impact gene splicing by creating a cryptic splice donor site downstream from the natural splice donor site. However, in the absence of RNA/functional studies, the actual effect of this sequence change is unknown.

NM_032578.4(MYPN):c.2913_2925+8dup

Gene: MYPN (myopalladin; plus strand). Cytogenetic location: 10q21.3.
Variant type: Duplication.
Coding change: c.2913_2925+8dup on transcript NM_032578.4 (MANE Select); coding-DNA position 2913 through 8 bases into the intron after coding-DNA position 2925, 21 bases duplicated (ACCTGTTCCAAAGGTAGGGAA).
Molecular consequence: splice donor variant.
Genome position (GRCh38, 1-based): chr10:68,189,114-68,189,134, ACCTGTTCCAAAGGTAGGGAA duplicated. VCF-style (leftmost placement, unchanged base first): chr10-68189113-T-TACCTGTTCCAAAGGTAGGGAA. GRCh37 (hg19) VCF-style: chr10-69948870-T-TACCTGTTCCAAAGGTAGGGAA.
Other names: c.2913_2925+8dupACCTGTTCCAAAGGTAGGGAA (NM_032578.3); c.2913_2925+8dup (NM_001256267.2); c.2031_2043+8dup (NM_001256268.2).
Identifiers: ClinVar variation 451731 (VCV000451731.3), dbSNP rs1347141464, ClinGen allele CA593850953.